The following is an entry in ClinVar:

NM_145261.4(DNAJC19):c.51del (p.Phe17fs)

Gene: DNAJC19 (DnaJ heat shock protein family (Hsp40) member C19; minus strand). Cytogenetic location: 3q26.33.
Variant type: Deletion.
Coding change: c.51del on transcript NM_145261.4 (MANE Select); coding-DNA position 51, one base deleted (T; older notation c.51delT).
Protein change: p.Phe17fs; shifts the reading frame from phenylalanine 17.
Molecular consequence: frameshift variant. On other transcripts: 5 prime UTR variant (1), non-coding transcript variant (2).
Genome position (GRCh38, 1-based): chr3:180,988,182, A deleted on the plus strand (T on the coding strand, the reverse complement: DNAJC19 is on the minus strand); the first of 3 consecutive A bases (chr3:180,988,182-180,988,184); deleting any one gives the same sequence. VCF-style (leftmost placement, unchanged base first): chr3-180988181-CA-C. GRCh37 (hg19) VCF-style: chr3-180705969-CA-C.
Other names: c.-25del (NM_001190233.2); short protein forms F17fs.
Identifiers: ClinVar variation 958162 (VCV000958162.11), dbSNP rs1715007577, ClinGen allele CA1139658358.
Genomic context (GRCh38, chr3:180,988,181, plus strand): 5'-GTAAACTAAATCTCCAATCTCCCCGACTTCACTTCCATCCCCAAACCATAAACAAACCTG[CA>C]AATCCTGCAGCAGCAATGGTCAGTCCAACTGCTACCACTGTACTGGCCTGGTAAGGGGGA-3'

ClinVar aggregate classification (germline): Pathogenic (1 of 4 stars; one submission).

Conditions:
3-methylglutaconic aciduria type 5. Also called: CARDIOMYOPATHY, DILATED, WITH ATAXIA; 3 alpha methylglutaconic aciduria type V; MGA 5; MGA, TYPE V. Identifiers: Orphanet 66634, MedGen C1857776, MONDO:0012435, OMIM 610198.

Submission:

Labcorp Genetics (formerly Invitae), Labcorp
Classification: Pathogenic for 3-methylglutaconic aciduria type 5. Last evaluated: 2022-08-27. Review status: criteria provided, single submitter. Criteria: Invitae Variant Classification Sherloc (09022015). Collection method: clinical testing. Allele origin: germline.
Comment: For these reasons, this variant has been classified as Pathogenic. ClinVar contains an entry for this variant (Variation ID: 958162). This premature translational stop signal has been observed in individual(s) with clinical features of 3-methylglutaconic aciduria type V (PMID: 29625556). This variant is not present in population databases (gnomAD no frequency). This sequence change creates a premature translational stop signal (p.Phe17Leufs*10) in the DNAJC19 gene. It is expected to result in an absent or disrupted protein product. Loss-of-function variants in DNAJC19 are known to be pathogenic (PMID: 16055927, 27928778).

Literature cited by the submitters: PubMed 29625556; PubMed 16055927; PubMed 27928778.